The following is an entry in ClinVar:

ClinVar aggregate classification (germline): Uncertain significance (1 of 4 stars; one submission).

Conditions:
Spastic paraplegia. Identifiers: MedGen C0037772, HP:0001258.

Submission:

Labcorp Genetics (formerly Invitae), Labcorp
Classification: Uncertain significance for Spastic paraplegia. Last evaluated: 2022-09-27. Review status: criteria provided, single submitter. Criteria: Invitae Variant Classification Sherloc (09022015). Collection method: clinical testing. Allele origin: germline.
Comment: This variant has not been reported in the literature in individuals affected with SACS-related conditions. Advanced modeling of protein sequence and biophysical properties (such as structural, functional, and spatial information, amino acid conservation, physicochemical variation, residue mobility, and thermodynamic stability) performed at Invitae indicates that this missense variant is not expected to disrupt SACS protein function. In summary, the available evidence is currently insufficient to determine the role of this variant in disease. Therefore, it has been classified as a Variant of Uncertain Significance. This variant is not present in population databases (gnomAD no frequency). This sequence change replaces alanine, which is neutral and non-polar, with threonine, which is neutral and polar, at codon 504 of the SACS protein (p.Ala504Thr).

NM_014363.6(SACS):c.1510G>A (p.Ala504Thr)

Gene: SACS (sacsin molecular chaperone; minus strand). Cytogenetic location: 13q12.12.
Variant type: single nucleotide variant.
Coding change: c.1510G>A on transcript NM_014363.6 (MANE Select); coding-DNA position 1510, G replaced by A.
Protein change: p.Ala504Thr; replaces alanine 504 with threonine.
Molecular consequence: missense variant.
Genome position (GRCh38, 1-based): chr13:23,355,102, C>T on the plus strand (G>A on the coding strand, the complement: SACS is on the minus strand). VCF-style: chr13-23355102-C-T. GRCh37 (hg19) VCF-style: chr13-23929241-C-T.
Other names: c.1069G>A, p.Ala357Thr (NM_001278055.2); short protein forms A504T, A357T.
Identifiers: ClinVar variation 2095365 (VCV002095365.4), dbSNP rs2542396132, ClinGen allele CA387548059.